The following is an entry in ClinVar:

ClinVar aggregate classification (germline): Conflicting classifications of pathogenicity. Review status: criteria provided, conflicting classifications (1 of 4 stars). 4 submissions from 4 submitters: Uncertain significance (2); Likely benign (2). Last evaluated 2026-03-17.

Conditions:
Cardiovascular phenotype. Identifiers: MedGen CN230736.
Duchenne muscular dystrophy (DMD). Also called: MUSCULAR DYSTROPHY, PSEUDOHYPERTROPHIC PROGRESSIVE, DUCHENNE TYPE; Duchenne Muscular Dystrophy (DMD). Identifiers: Orphanet 98896, MedGen C0013264, MONDO:0010679, OMIM 310200.

Allele frequency attached by ClinVar (database versions not stated): gnomAD exomes below 0.00001 and 0.00001; ExAC 0.00001; gnomAD 0.00004 and 0.00005; TOPMed 0.00005; ESP Exome Variant Server 0.00009; 1000 Genomes Project 30x 0.00042.
gnomAD v4.1: 9 of 1,208,785 alleles (0.00074%); highest among the groups gnomAD compares: African/African-American, 0.014%; no homozygotes.

Submissions (4):

Ambry Genetics
Classification: Likely benign for Cardiovascular phenotype. Last evaluated: 2026-03-17. Review status: criteria provided, single submitter. Criteria: Ambry Variant Classification Scheme 2023. Collection method: clinical testing. Allele origin: germline.

Labcorp Genetics (formerly Invitae), Labcorp
Classification: Uncertain significance for Duchenne muscular dystrophy. Last evaluated: 2025-08-13. Review status: criteria provided, single submitter. Criteria: Invitae Variant Classification Sherloc (09022015). Collection method: clinical testing. Allele origin: germline.
Comment: This sequence change replaces aspartic acid, which is acidic and polar, with glutamic acid, which is acidic and polar, at codon 1736 of the DMD protein (p.Asp1736Glu). This variant is present in population databases (rs144717862, gnomAD 0.02%). This variant has not been reported in the literature in individuals affected with DMD-related conditions. ClinVar contains an entry for this variant (Variation ID: 228591). Invitae Evidence Modeling of protein sequence and biophysical properties (such as structural, functional, and spatial information, amino acid conservation, physicochemical variation, residue mobility, and thermodynamic stability) indicates that this missense variant is not expected to disrupt DMD protein function with a negative predictive value of 95%. In summary, the available evidence is currently insufficient to determine the role of this variant in disease. Therefore, it has been classified as a Variant of Uncertain Significance.

GeneDx
Classification: Likely benign. Last evaluated: 2018-05-21. Review status: criteria provided, single submitter. Criteria: GeneDx Variant Classification (06012015). Collection method: clinical testing. Allele origin: germline. Affected: yes.
Comment: This variant is considered likely benign or benign based on one or more of the following criteria: it is a conservative change, it occurs at a poorly conserved position in the protein, it is predicted to be benign by multiple in silico algorithms, and/or has population frequency not consistent with disease.

Laboratory for Molecular Medicine, Mass General Brigham Personalized Medicine
Classification: Uncertain significance. Last evaluated: 2015-04-02. Review status: criteria provided, single submitter. Criteria: LMM Criteria. Collection method: clinical testing. Allele origin: germline. Observed: 1 variant allele.
Comment: The p.Asp1736Glu variant in DMD has not been previously reported in individuals with cardiomyopathy, but has been identified in 1/8394 African chromosomes by th e Exome Aggregation Consortium (ExAC; dbSNP rs14 4717862). Aspartic acid (Asp) at position 1736 is conserved in mammals but not i n evolutionarily distant species, and Xenopus tropicalis carries a glutamic acid (Glu) at this position, raising the possibility that this change may be tolerat ed. However, this information is not predictive enough to rule out pathogenicity . In summary, the clinical significance of the p.Asp1736Glu variant is uncertain .

NM_004006.3(DMD):c.5208C>A (p.Asp1736Glu)

Gene: DMD (dystrophin; minus strand). Cytogenetic location: Xp21.1.
Variant type: single nucleotide variant.
Coding change: c.5208C>A on transcript NM_004006.3 (MANE Select); coding-DNA position 5208, C replaced by A.
Protein change: p.Asp1736Glu; replaces aspartic acid 1736 with glutamic acid.
Molecular consequence: missense variant.
Genome position (GRCh38, 1-based): chrX:32,362,905, G>T on the plus strand (C>A on the coding strand, the complement: DMD is on the minus strand). VCF-style: chrX-32362905-G-T. GRCh37 (hg19) VCF-style: chrX-32381022-G-T.
Other names: c.5184C>A, p.Asp1728Glu (NM_000109.4); c.5196C>A, p.Asp1732Glu (NM_004009.3); c.4839C>A, p.Asp1613Glu (NM_004010.3); c.1185C>A, p.Asp395Glu (NM_004011.4); c.1176C>A, p.Asp392Glu (NM_004012.4); short protein forms D1736E, D1732E, D392E, D1613E, D1728E, D395E.
Identifiers: ClinVar variation 228591 (VCV000228591.12), dbSNP rs144717862, ClinGen allele CA10378741.